The following is an entry in ClinVar:

NM_000400.4(ERCC2):c.718+1G>A

Gene: ERCC2 (ERCC excision repair 2, TFIIH core complex helicase subunit; minus strand). Cytogenetic location: 19q13.32.
Variant type: single nucleotide variant.
Coding change: c.718+1G>A on transcript NM_000400.4 (MANE Select); the canonical splice donor site of the intron after coding-DNA position 718, G replaced by A.
Molecular consequence: splice donor variant.
Genome position (GRCh38, 1-based): chr19:45,364,423, C>T on the plus strand (G>A on the coding strand, the complement: ERCC2 is on the minus strand). VCF-style: chr19-45364423-C-T. GRCh37 (hg19) VCF-style: chr19-45867681-C-T.
Other names: c.595+1G>A (NM_001440357.1); c.640+1G>A (NM_001440356.1); c.646+1G>A (NM_001440355.1, NM_001130867.2).
Identifiers: ClinVar variation 4081859 (VCV004081859.1).

ClinVar aggregate classification (germline): Likely pathogenic (1 of 4 stars; one submission).

Conditions:
ERCC2-related disorder. Also called: ERCC2-related conditions; ERCC2-related condition; ERCC2-related disorders. Identifiers: MedGen CN239291.

Submission:

Myriad Genetics, Inc.
Classification: Likely pathogenic for ERCC2-related disorder. Last evaluated: 2025-02-10. Review status: criteria provided, single submitter. Criteria: Myriad Autosomal Dominant, Autosomal Recessive and X-Linked Classification Criteria (2023). Collection method: clinical testing. Allele origin: unknown.
Comment: NM_000400.3(ERCC2):c.718+1G>A is a variant in a canonical splice site classified as likely pathogenic in the context of ERCC2-related disorders. c.718+1G>A has been observed in a case with relevant disease (PMID: 26884178). Relevant functional assessments of this variant are not available in the literature. c.718+1G>A has not been observed in referenced population frequency databases. In summary, NM_000400.3(ERCC2):c.718+1G>A is a variant in a canonical splice site in a gene where loss of function is a known mechanism of disease, is predicted to disrupt protein function, and has been observed more frequently in cases with the relevant disease than in healthy populations. Please note: this variant was assessed in the context of healthy population screening.

Literature cited by the submitters: PubMed 26884178.